The following is an entry in ClinVar:

ClinVar aggregate classification (germline): Likely pathogenic (1 of 4 stars; one submission).

Conditions:
ACOX2-related disorder. Also called: ACOX2-related condition.

Submission:

PreventionGenetics, part of Exact Sciences
Classification: Likely pathogenic for ACOX2-related condition. Last evaluated: 2025-07-23. Review status: criteria provided, single submitter. Criteria: ACMG Guidelines, 2015. Collection method: clinical testing. Allele origin: germline.
Comment: The ACOX2 c.328delC variant is predicted to result in a frameshift and premature protein termination (p.Leu110Phefs*7). To our knowledge, this variant has not been reported in the literature. This variant is reported in 0.0023% of alleles in individuals of European (Non-Finnish) descent in gnomAD. Frameshift variants in ACOX2 are expected to be pathogenic. This variant is interpreted as likely pathogenic.

NM_003500.4(ACOX2):c.328del (p.Leu110fs)

Gene: ACOX2 (acyl-CoA oxidase 2; minus strand). Cytogenetic location: 3p14.3.
Variant type: Deletion.
Coding change: c.328del on transcript NM_003500.4 (MANE Select); coding-DNA position 328, one base deleted (C; older notation c.328delC).
Protein change: p.Leu110fs; shifts the reading frame from leucine 110.
Molecular consequence: frameshift variant.
Genome position (GRCh38, 1-based): chr3:58,534,141, G deleted on the plus strand (C on the coding strand, the reverse complement: ACOX2 is on the minus strand); the first of 3 consecutive G bases (chr3:58,534,141-58,534,143); deleting any one gives the same sequence. VCF-style (leftmost placement, unchanged base first): chr3-58534140-AG-A. GRCh37 (hg19) VCF-style: chr3-58519867-AG-A.
Other names: short protein forms L110fs.
Identifiers: ClinVar variation 4989811 (VCV004989811.1).